The following is an entry in ClinVar:

ClinVar aggregate classification (germline): Uncertain significance (1 of 4 stars; one submission).

Submission:

Labcorp Genetics (formerly Invitae), Labcorp
Classification: Uncertain significance. Last evaluated: 2022-11-01. Review status: criteria provided, single submitter. Criteria: Invitae Variant Classification Sherloc (09022015). Collection method: clinical testing. Allele origin: germline.
Comment: In summary, the available evidence is currently insufficient to determine the role of this variant in disease. Therefore, it has been classified as a Variant of Uncertain Significance. Algorithms developed to predict the effect of missense changes on protein structure and function are either unavailable or do not agree on the potential impact of this missense change (SIFT: "Not Available"; PolyPhen-2: "Possibly Damaging"; Align-GVGD: "Not Available"). This variant has not been reported in the literature in individuals affected with PRDM13-related conditions. This variant is present in population databases (no rsID available, gnomAD 0.5%). This sequence change replaces proline, which is neutral and non-polar, with methionine, which is neutral and non-polar, at codon 127 of the PRDM13 protein (p.Pro127Met).

NM_021620.4(PRDM13):c.379_380delinsAT (p.Pro127Met)

Gene: PRDM13 (PR/SET domain 13; plus strand). Cytogenetic location: 6q16.2.
Variant type: Indel.
Coding change: c.379_380delinsAT on transcript NM_021620.4 (MANE Select); coding-DNA positions 379 to 380, CC replaced by AT.
Protein change: p.Pro127Met; replaces proline 127 with methionine.
Molecular consequence: missense variant.
Genome position (GRCh38, 1-based): chr6:99,609,289-99,609,290, CC replaced by AT. VCF-style: chr6-99609289-CC-AT. GRCh37 (hg19) VCF-style: chr6-100057165-CC-AT.
Other names: short protein forms P127M.
Identifiers: ClinVar variation 1931494 (VCV001931494.5), dbSNP rs2538540650, ClinGen allele CA2580075978.